The following is an entry in ClinVar:

NM_001098.3(ACO2):c.633C>T (p.Ala211=)

Gene: ACO2 (aconitase 2; plus strand). Cytogenetic location: 22q13.2.
Variant type: single nucleotide variant.
Coding change: c.633C>T on transcript NM_001098.3 (MANE Select); coding-DNA position 633, C replaced by T.
Protein change: p.Ala211=; no amino-acid change (alanine 211 retained).
Molecular consequence: synonymous variant.
Genome position (GRCh38, 1-based): chr22:41,515,484, C>T. VCF-style: chr22-41515484-C-T. GRCh37 (hg19) VCF-style: chr22-41911488-C-T.
Identifiers: ClinVar variation 517903 (VCV000517903.10), dbSNP rs1049859, ClinGen allele CA10257405.

ClinVar aggregate classification (germline): Likely benign. Review status: criteria provided, multiple submitters, no conflicts (2 of 4 stars). 3 submissions from 3 submitters: Likely benign (3). Last evaluated 2024-09-19.

Allele frequency attached by ClinVar (database versions not stated): gnomAD exomes 0.00006 and 0.00011; TOPMed 0.00006; ESP Exome Variant Server 0.00008; ExAC 0.00010; gnomAD 0.00011.
gnomAD v4.1: 172 of 1,613,720 alleles (0.011%); highest among the groups gnomAD compares: East Asian, 0.036%; 1 homozygote.

Submissions (3):

Labcorp Genetics (formerly Invitae), Labcorp
Classification: Likely benign. Last evaluated: 2024-09-19. Review status: criteria provided, single submitter. Criteria: Invitae Variant Classification Sherloc (09022015). Collection method: clinical testing. Allele origin: germline.

Blueprint Genetics
Classification: Likely benign. Last evaluated: 2024-01-12. Review status: criteria provided, single submitter. Criteria: ACMG Guidelines, 2015. Collection method: clinical testing. Allele origin: germline.

GeneDx
Classification: Likely benign. Last evaluated: 2018-02-27. Review status: criteria provided, single submitter. Criteria: GeneDx Variant Classification (06012015). Collection method: clinical testing. Allele origin: germline. Affected: yes.
Comment: This variant is considered likely benign or benign based on one or more of the following criteria: it is a conservative change, it occurs at a poorly conserved position in the protein, it is predicted to be benign by multiple in silico algorithms, and/or has population frequency not consistent with disease.